The following is an entry in ClinVar:

ClinVar aggregate classification (germline): Likely pathogenic (1 of 4 stars; one submission).

Allele frequency attached by ClinVar (database versions not stated): gnomAD 0.00002 and 0.00003; TOPMed 0.00003; gnomAD exomes 0.00002 and 0.00008; ExAC 0.00003; ESP Exome Variant Server 0.00008.
gnomAD v4.1: 120 of 1,592,250 alleles (0.0075%); highest among the groups gnomAD compares: Non-Finnish European, 0.0099%; 1 homozygote.

Submission:

GeneDx
Classification: Likely pathogenic. Last evaluated: 2019-10-24. Review status: criteria provided, single submitter. Criteria: GeneDx Variant Classification Process June 2021. Collection method: clinical testing. Allele origin: germline. Affected: yes.
Comment: Has not been previously published as pathogenic or benign to our knowledge; Initiation codon variant in a gene for which loss-of-function is a known mechanism of disease; Not observed at a significant frequency in large population cohorts (Lek et al., 2016)

NM_145199.3(LIPT1):c.2T>C (p.Met1Thr)

Genes: LIPT1 (lipoyltransferase 1; plus strand), MITD1 (microtubule interacting and trafficking domain containing 1; minus strand). Cytogenetic location: 2q11.2.
Variant type: single nucleotide variant.
Coding change: c.2T>C on transcript NM_145199.3 (MANE Select); coding-DNA position 2, T replaced by C.
Protein change: p.Met1Thr; changes the start codon (methionine 1).
Molecular consequence: missense variant, initiator codon variant. On other transcripts: non-coding transcript variant (2).
Genome position (GRCh38, 1-based): chr2:99,161,959, T>C. VCF-style: chr2-99161959-T-C. GRCh37 (hg19) VCF-style: chr2-99778422-T-C.
Other names: c.2T>C, p.Met1Thr (NM_001204830.2, NM_015929.4, NM_145197.3 and 1 more transcripts); short protein forms M1T.
Identifiers: ClinVar variation 1208630 (VCV001208630.4), dbSNP rs367951310, ClinGen allele CA1797267.